The following is an entry in ClinVar:

NM_015450.3(POT1):c.1506-5T>G

Gene: POT1 (protection of telomeres 1; minus strand). Cytogenetic location: 7q31.33.
Variant type: single nucleotide variant.
Coding change: c.1506-5T>G on transcript NM_015450.3 (MANE Select); 5 bases into the intron before coding-DNA position 1506, T replaced by G.
Molecular consequence: intron variant.
Genome position (GRCh38, 1-based): chr7:124,829,347, A>C on the plus strand (T>G on the coding strand, the complement: POT1 is on the minus strand). VCF-style: chr7-124829347-A-C. GRCh37 (hg19) VCF-style: chr7-124469401-A-C.
Other names: c.1113-5T>G (NM_001042594.2).
Identifiers: ClinVar variation 2107427 (VCV002107427.4), dbSNP rs2485352987, ClinGen allele CA2580076444.

ClinVar aggregate classification (germline): Uncertain significance (1 of 4 stars; one submission).

Conditions:
Tumor predisposition syndrome 3 (TPDS3). Also called: Melanoma, cutaneous malignant, susceptibility to, 10; Glioma susceptibility 9; LONG TELOMERE SYNDROME, POT1-RELATED; POT1 Tumor Predisposition. Identifiers: Orphanet 618, MedGen C4014476, MONDO:0014368, OMIM 615848.

Submission:

Labcorp Genetics (formerly Invitae), Labcorp
Classification: Uncertain significance for Tumor predisposition syndrome 3. Last evaluated: 2022-03-06. Review status: criteria provided, single submitter. Criteria: Invitae Variant Classification Sherloc (09022015). Collection method: clinical testing. Allele origin: germline.
Comment: In summary, the available evidence is currently insufficient to determine the role of this variant in disease. Therefore, it has been classified as a Variant of Uncertain Significance. Algorithms developed to predict the effect of sequence changes on RNA splicing suggest that this variant may disrupt the consensus splice site. This variant has not been reported in the literature in individuals affected with POT1-related conditions. This variant is not present in population databases (gnomAD no frequency). This sequence change falls in intron 15 of the POT1 gene. It does not directly change the encoded amino acid sequence of the POT1 protein.